The following is an entry in ClinVar:

NM_152296.5(ATP1A3):c.2848G>A (p.Glu950Lys)

Gene: ATP1A3 (ATPase Na+/K+ transporting subunit alpha 3; minus strand). Cytogenetic location: 19q13.2.
Variant type: single nucleotide variant.
Coding change: c.2848G>A on transcript NM_152296.5 (MANE Select); coding-DNA position 2848, G replaced by A.
Protein change: p.Glu950Lys; replaces glutamic acid 950 with lysine.
Molecular consequence: missense variant.
Genome position (GRCh38, 1-based): chr19:41,967,735, C>T on the plus strand (G>A on the coding strand, the complement: ATP1A3 is on the minus strand). VCF-style: chr19-41967735-C-T. GRCh37 (hg19) VCF-style: chr19-42471887-C-T.
Other names: c.2881G>A, p.Glu961Lys (NM_001256213.2); c.2887G>A, p.Glu963Lys (NM_001256214.2); short protein forms E950K, E963K, E961K.
Identifiers: ClinVar variation 4997838 (VCV004997838.1).

ClinVar aggregate classification (germline): Uncertain significance (1 of 4 stars; one submission).

Conditions:
ATP1A3-related disorder. Also called: ATP1A3-related disorders; ATP1A3-related condition. Identifiers: MedGen CN381097.

Submission:

PreventionGenetics, part of Exact Sciences
Classification: Uncertain significance for ATP1A3-related condition. Last evaluated: 2025-06-20. Review status: criteria provided, single submitter. Criteria: ACMG Guidelines, 2015. Collection method: clinical testing. Allele origin: germline.
Comment: The ATP1A3 c.2887G>A variant is predicted to result in the amino acid substitution p.Glu963Lys. To our knowledge, this variant has not been reported in the literature or in a large population database (gnomAD), indicating this variant is rare. At this time, the clinical significance of this variant is uncertain due to the absence of conclusive functional and genetic evidence.